The following is an entry in ClinVar:

ClinVar aggregate classification (germline): Uncertain significance (1 of 4 stars; one submission).

Conditions:
Birt-Hogg-Dube syndrome. Also called: Birt Hogg Dubé syndrome. Identifiers: Orphanet 122, MedGen C0346010, MONDO:0800444.

Submission:

Labcorp Genetics (formerly Invitae), Labcorp
Classification: Uncertain significance for Birt-Hogg-Dube syndrome. Last evaluated: 2023-08-11. Review status: criteria provided, single submitter. Criteria: Invitae Variant Classification Sherloc (09022015). Collection method: clinical testing. Allele origin: germline.
Comment: In summary, the available evidence is currently insufficient to determine the role of this variant in disease. Therefore, it has been classified as a Variant of Uncertain Significance. This sequence change replaces glutamic acid, which is acidic and polar, with lysine, which is basic and polar, at codon 328 of the FLCN protein (p.Glu328Lys). This variant is not present in population databases (gnomAD no frequency). This variant has not been reported in the literature in individuals affected with FLCN-related conditions. Advanced modeling of protein sequence and biophysical properties (such as structural, functional, and spatial information, amino acid conservation, physicochemical variation, residue mobility, and thermodynamic stability) performed at Invitae indicates that this missense variant is not expected to disrupt FLCN protein function.

NM_144997.7(FLCN):c.982G>A (p.Glu328Lys)

Gene: FLCN (folliculin; minus strand). Cytogenetic location: 17p11.2.
Variant type: single nucleotide variant.
Coding change: c.982G>A on transcript NM_144997.7 (MANE Select); coding-DNA position 982, G replaced by A.
Protein change: p.Glu328Lys; replaces glutamic acid 328 with lysine.
Molecular consequence: missense variant.
Genome position (GRCh38, 1-based): chr17:17,219,099, C>T on the plus strand (G>A on the coding strand, the complement: FLCN is on the minus strand). VCF-style: chr17-17219099-C-T. GRCh37 (hg19) VCF-style: chr17-17122413-C-T.
Other names: c.1036G>A, p.Glu346Lys (NM_001353229.2); c.982G>A, p.Glu328Lys (NM_001353230.2, NM_001353231.2); short protein forms E346K, E328K.
Identifiers: ClinVar variation 2879645 (VCV002879645.3), dbSNP rs2144895541, ClinGen allele CA398532877.
Genomic context (GRCh38, chr17:17,219,099, plus strand): 5'-ACTTGAAGACTGGCAGCTTCCGGGGCTGCCAGCTCCCACAGCCTGAGAGAGAGGAGGACT[C>T]TGCCGGGCCCTGGGTCAGCTCCCGCCCTTCTGTACTCTCTGGCAACACAGGGGCTTTCTC-3'
Protein context (NP_659434.2, residues 318-338): EGRELTQGPA[Glu328Lys]SSSLSGCGSW